The following is an entry in ClinVar:

ClinVar aggregate classification (germline): Uncertain significance (1 of 4 stars; one submission).

Submission:

GeneDx
Classification: Uncertain significance. Last evaluated: 2026-03-23. Review status: criteria provided, single submitter. Criteria: GeneDx Variant Classification Process June 2021. Collection method: clinical testing. Allele origin: germline.
Comment: Not observed at significant frequency in large population cohorts (gnomAD); In silico analysis supports that this missense variant has a deleterious effect on protein structure/function; Has not been previously published as pathogenic or benign to our knowledge

NM_000901.5(NR3C2):c.1930G>C (p.Asp644His)

Gene: NR3C2 (nuclear receptor subfamily 3 group C member 2; minus strand). Cytogenetic location: 4q31.23.
Variant type: single nucleotide variant.
Coding change: c.1930G>C on transcript NM_000901.5 (MANE Select); coding-DNA position 1930, G replaced by C.
Protein change: p.Asp644His; replaces aspartic acid 644 with histidine.
Molecular consequence: missense variant. On other transcripts: non-coding transcript variant (1).
Genome position (GRCh38, 1-based): chr4:148,194,830, C>G on the plus strand (G>C on the coding strand, the complement: NR3C2 is on the minus strand). VCF-style: chr4-148194830-C-G. GRCh37 (hg19) VCF-style: chr4-149115981-C-G.
Other names: c.1930G>C, p.Asp644His (NM_001437656.1, NM_001437658.1, NM_001166104.2 and 3 more transcripts); c.1942G>C, p.Asp648His (NM_001437657.1); short protein forms D644H, D648H.
Identifiers: ClinVar variation 5017303 (VCV005017303.1).